The following is an entry in ClinVar:

NM_000539.3(RHO):c.263T>C (p.Leu88Pro)

Gene: RHO (rhodopsin; plus strand). Cytogenetic location: 3q22.1.
Variant type: single nucleotide variant.
Coding change: c.263T>C on transcript NM_000539.3 (MANE Select); coding-DNA position 263, T replaced by C.
Protein change: p.Leu88Pro; replaces leucine 88 with proline.
Molecular consequence: missense variant.
Genome position (GRCh38, 1-based): chr3:129,528,996, T>C. VCF-style: chr3-129528996-T-C. GRCh37 (hg19) VCF-style: chr3-129247839-T-C.
Other names: short protein forms L88P.
Identifiers: ClinVar variation 381626 (VCV000381626.3), dbSNP rs1057521112, ClinGen allele CA16604468.

ClinVar aggregate classification (germline): Likely pathogenic. Review status: criteria provided, multiple submitters, no conflicts (2 of 4 stars). 2 submissions from 2 submitters: Likely pathogenic (2). Last evaluated 2023-10-01.

Conditions:
Retinal dystrophy. Also called: Inherited retinal dystrophy. Identifiers: Orphanet 71862, MedGen C0854723, MeSH D058499, MONDO:0019118, HP:0000556.

Submissions (2):

Dept Of Ophthalmology, Nagoya University
Classification: Likely pathogenic for Retinal dystrophy. Last evaluated: 2023-10-01. Review status: criteria provided, single submitter. Criteria: Submitter's publication. Collection method: research. Allele origin: germline. Affected: yes.

GeneDx
Classification: Likely pathogenic. Last evaluated: 2016-09-08. Review status: criteria provided, single submitter. Criteria: GeneDx Variant Classification (06012015). Collection method: clinical testing. Allele origin: germline. Affected: yes.
Comment: The L88P variant in the RHO gene has been reported previously in a family with autosomal dominant retinitis pigmentosa (Audo et al., 2010). The L88P variant was not observed in approximately 6,500 individuals of European and African American ancestry in the NHLBI Exome Sequencing Project, indicating it is not a common benign variant in these populations. The L88P variant is a semi-conservative amino acid substitution, which may impact secondary protein structure as these residues differ in some properties. This substitution occurs at a position where amino acids with similar properties to Leucine are tolerated across species. In silico analysis is inconsistent in its predictions as to whether or not the variant is damaging to the protein structure/function. However, missense variants in nearby residues (V87L, V87D, G89D, G90D, G90V, T92I) have been reported in the Human Gene Mutation Database in association with retinitis pigmentosa (Stenson et al., 2014), supporting the functional importance of this region of the protein. The L88P variant is a strong candidate for a pathogenic variant, however the possibility it may be a rare benign variant cannot be excluded.